The following is an entry in ClinVar:

NM_000179.3(MSH6):c.3480C>T (p.Val1160=)

Gene: MSH6 (mutS homolog 6; plus strand). Cytogenetic location: 2p16.3.
Variant type: single nucleotide variant.
Coding change: c.3480C>T on transcript NM_000179.3 (MANE Select); coding-DNA position 3480, C replaced by T.
Protein change: p.Val1160=; no amino-acid change (valine 1160 retained).
Molecular consequence: synonymous variant. On other transcripts: non-coding transcript variant (4).
Genome position (GRCh38, 1-based): chr2:47,804,951, C>T. VCF-style: chr2-47804951-C-T. GRCh37 (hg19) VCF-style: chr2-48032090-C-T.
Other names: c.3090C>T, p.Val1030= (NM_001281492.2); c.2574C>T, p.Val858= (NM_001281493.2, NM_001281494.2, NM_001406811.1 and 6 more transcripts); c.3576C>T, p.Val1192= (NM_001406795.1, NM_001406802.1); c.3480C>T, p.Val1160= (NM_001406796.1, NM_001406800.1, NM_001406808.1 and 1 more transcripts); c.3183C>T, p.Val1061= (NM_001406797.1, NM_001406801.1, NM_001406805.1 and 10 more transcripts); c.3306C>T, p.Val1102= (NM_001406798.1); c.2955C>T, p.Val985= (NM_001406799.1, NM_001406806.1, NM_001406807.1); c.2616C>T, p.Val872= (NM_001406803.1); and 7 more.
Identifiers: ClinVar variation 3230551 (VCV003230551.2), dbSNP rs786201385, ClinGen allele CA425997212.

ClinVar aggregate classification (germline): Benign/Likely benign. Review status: criteria provided, multiple submitters, no conflicts (2 of 4 stars). 2 submissions from 2 submitters: Benign (1); Likely benign (1). Last evaluated 2025-01-07.

Conditions:
Lynch syndrome 5 (LYNCH5). Also called: Colorectal cancer, hereditary nonpolyposis, type 5; Hereditary non-polyposis colorectal cancer, type 5. Identifiers: Orphanet 144, MedGen C1833477, MONDO:0013710, OMIM 614350. Disease mechanism: loss of function.
Hereditary cancer-predisposing syndrome. Also called: Neoplastic Syndromes, Hereditary; Tumor predisposition; Hereditary neoplastic syndrome; Hereditary Cancer Syndrome. Identifiers: Orphanet 140162, MedGen C0027672, MeSH D009386, MONDO:0015356.

Submissions (2):

Myriad Genetics, Inc.
Classification: Benign for Lynch syndrome 5. Last evaluated: 2025-01-07. Review status: criteria provided, single submitter. Criteria: Myriad Autosomal Dominant, Autosomal Recessive and X-Linked Classification Criteria (2023). Collection method: clinical testing. Allele origin: unknown.
Comment: This variant is considered benign. This variant is a silent/synonymous amino acid change and it is not expected to impact splicing.

Ambry Genetics
Classification: Likely benign for Hereditary cancer-predisposing syndrome. Last evaluated: 2023-10-19. Review status: criteria provided, single submitter. Criteria: Ambry Variant Classification Scheme 2023. Collection method: clinical testing. Allele origin: germline.